The following is an entry in ClinVar:

ClinVar aggregate classification (germline): Pathogenic (1 of 4 stars; one submission).

Conditions:
Ornithine carbamoyltransferase deficiency (OTCD). Also called: ORNITHINE TRANSCARBAMYLASE DEFICIENCY; ORNITHINE TRANSCARBAMYLASE DEFICIENCY, HYPERAMMONEMIA DUE TO; OTC DEFICIENCY; Ornithine Carbamoyltransferase Deficiency Disease. Identifiers: Orphanet 664, MedGen C0268542, MONDO:0010703, OMIM 311250.

Submission:

Labcorp Genetics (formerly Invitae), Labcorp
Classification: Pathogenic for Ornithine carbamoyltransferase deficiency. Last evaluated: 2021-09-02. Review status: criteria provided, single submitter. Criteria: Invitae Variant Classification Sherloc (09022015). Collection method: clinical testing. Allele origin: germline.
Comment: This variant is a gross deletion of the genomic region encompassing exon(s) 4-9 of the OTC gene. This deletion is out-of-frame, and is expected to create a premature termination codon and result in an absent or disrupted protein product. Loss-of-function variants in OTC are known to be pathogenic (PMID: 10946359, 16786505). A similar copy number variant has been observed in individual(s) with ornithine transcarbamylase (OTC) deficiency (PMID: 18440262). For these reasons, this variant has been classified as Pathogenic.

Literature cited by the submitters: PubMed 10946359; PubMed 16786505; PubMed 18440262.

NC_000023.10:g.(?_38240585)_(38272343_?)del

Gene: OTC (ornithine transcarbamylase; plus strand). Cytogenetic location: Xp11.4.
Variant type: Deletion.
Identifiers: ClinVar variation 1405368 (VCV001405368.6).